The following is an entry in ClinVar:

ClinVar aggregate classification (germline): Likely benign (1 of 4 stars; one submission).

gnomAD v4.1: 9 of 1,614,096 alleles (0.00056%); highest among the groups gnomAD compares: African/African-American, 0.0013%; no homozygotes.

Submission:

GeneDx
Classification: Likely benign. Last evaluated: 2015-10-06. Review status: criteria provided, single submitter. Criteria: GeneDx Variant Classification (06012015). Collection method: clinical testing. Allele origin: germline. Affected: yes.
Comment: This variant is considered likely benign or benign based on one or more of the following criteria: it is a conservative change, it occurs at a poorly conserved position in the protein, it is predicted to be benign by multiple in silico algorithms, and/or has population frequency not consistent with disease.

NM_001134407.3(GRIN2A):c.294C>T (p.Leu98=)

Gene: GRIN2A (glutamate ionotropic receptor NMDA type subunit 2A; minus strand). Cytogenetic location: 16p13.2.
Variant type: single nucleotide variant.
Coding change: c.294C>T on transcript NM_001134407.3 (MANE Select); coding-DNA position 294, C replaced by T.
Protein change: p.Leu98=; no amino-acid change (leucine 98 retained).
Molecular consequence: synonymous variant.
Genome position (GRCh38, 1-based): chr16:10,180,118, G>A on the plus strand (C>T on the coding strand, the complement: GRIN2A is on the minus strand). VCF-style: chr16-10180118-G-A. GRCh37 (hg19) VCF-style: chr16-10273975-G-A.
Other names: c.294C>T, p.Leu98= (NM_000833.5, NM_001134408.2).
Identifiers: ClinVar variation 380892 (VCV000380892.1), dbSNP rs771068226, ClinGen allele CA16607971.